The following is an entry in ClinVar:

NM_000466.3(PEX1):c.1621A>G (p.Ser541Gly)

Gene: PEX1 (peroxisomal biogenesis factor 1; minus strand). Cytogenetic location: 7q21.2.
Variant type: single nucleotide variant.
Coding change: c.1621A>G on transcript NM_000466.3 (MANE Select); coding-DNA position 1621, A replaced by G.
Protein change: p.Ser541Gly; replaces serine 541 with glycine.
Molecular consequence: missense variant.
Genome position (GRCh38, 1-based): chr7:92,509,378, T>C on the plus strand (A>G on the coding strand, the complement: PEX1 is on the minus strand). VCF-style: chr7-92509378-T-C. GRCh37 (hg19) VCF-style: chr7-92138692-T-C.
Other names: c.1621A>G, p.Ser541Gly (NM_001282677.2); c.997A>G, p.Ser333Gly (NM_001282678.2); short protein forms S333G, S541G.
Identifiers: ClinVar variation 1501157 (VCV001501157.8), dbSNP rs1204334087, ClinGen allele CA368188336.
Genomic context (GRCh38, chr7:92,509,378, plus strand): 5'-TAACTTCTTACCCCAAAGAGCTCAGCTTTAAAAAAGGAAGAATAAAGTCAATTTCCTCAC[T>C]GTTTTCTTCTTTTACCATAGGATCTAGAAGGACCTACAGTTGCAAGGAAAAATCAGTTTT-3'
Protein context (NP_000457.1, residues 531-551): LLDPMVKEEN[Ser541Gly]EEIDFILPFL

ClinVar aggregate classification (germline): Uncertain significance (1 of 4 stars; one submission).

Conditions:
Zellweger spectrum disorders (ZS). Also called: Zellweger Spectrum Disorder; Zellweger Spectrum; Zellweger Spectrum Disorder (ZSD); Zellweger syndrome. Identifiers: Orphanet 912, MedGen C0043459, MONDO:0019609.

Allele frequency attached by ClinVar (database versions not stated): TOPMed below 0.00001; gnomAD 0.00001.
gnomAD v4.1: 1 of 1,612,966 alleles (0.000062%); highest among the groups gnomAD compares: Non-Finnish European, 0.000085%; no homozygotes.

Submission:

Labcorp Genetics (formerly Invitae), Labcorp
Classification: Uncertain significance for Zellweger spectrum disorders. Last evaluated: 2022-09-19. Review status: criteria provided, single submitter. Criteria: Invitae Variant Classification Sherloc (09022015). Collection method: clinical testing. Allele origin: germline.
Comment: This variant has not been reported in the literature in individuals affected with PEX1-related conditions. In summary, the available evidence is currently insufficient to determine the role of this variant in disease. Therefore, it has been classified as a Variant of Uncertain Significance. Algorithms developed to predict the effect of sequence changes on RNA splicing suggest that this variant may disrupt the consensus splice site. Advanced modeling of protein sequence and biophysical properties (such as structural, functional, and spatial information, amino acid conservation, physicochemical variation, residue mobility, and thermodynamic stability) performed at Invitae indicates that this missense variant is not expected to disrupt PEX1 protein function. ClinVar contains an entry for this variant (Variation ID: 1501157). This variant is not present in population databases (gnomAD no frequency). This sequence change replaces serine, which is neutral and polar, with glycine, which is neutral and non-polar, at codon 541 of the PEX1 protein (p.Ser541Gly).